The following is an entry in ClinVar:

NM_001145809.2(MYH14):c.1174C>T (p.Arg392Trp)

Gene: MYH14 (myosin heavy chain 14; plus strand). Cytogenetic location: 19q13.33.
Variant type: single nucleotide variant.
Coding change: c.1174C>T on transcript NM_001145809.2 (MANE Select); coding-DNA position 1174, C replaced by T.
Protein change: p.Arg392Trp; replaces arginine 392 with tryptophan.
Molecular consequence: missense variant.
Genome position (GRCh38, 1-based): chr19:50,244,301, C>T. VCF-style: chr19-50244301-C-T. GRCh37 (hg19) VCF-style: chr19-50747558-C-T.
Other names: c.1150C>T (NM_024729.3); c.1174C>T, p.Arg392Trp (NM_001077186.2); c.1150C>T, p.Arg384Trp (NM_024729.4); short protein forms R392W, R384W.
Identifiers: ClinVar variation 506275 (VCV000506275.7), dbSNP rs778312429, ClinGen allele CA9592539.

ClinVar aggregate classification (germline): Uncertain significance. Review status: criteria provided, multiple submitters, no conflicts (2 of 4 stars). 3 submissions from 3 submitters: Uncertain significance (3). Last evaluated 2025-10-06.

Conditions:
Inborn genetic diseases. Identifiers: MedGen C0950123, MeSH D030342.

Allele frequency attached by ClinVar (database versions not stated): ExAC 0.00005; gnomAD 0.00005; TOPMed 0.00005; gnomAD exomes 0.00006 and 0.00013.

Submissions (3):

GeneDx
Classification: Uncertain significance. Last evaluated: 2025-10-06. Review status: criteria provided, single submitter. Criteria: GeneDx Variant Classification Process June 2021. Collection method: clinical testing. Allele origin: germline.
Comment: In silico analysis supports that this missense variant has a deleterious effect on protein structure/function; Has not been previously published as pathogenic or benign to our knowledge

Ambry Genetics
Classification: Uncertain significance for Inborn genetic diseases. Last evaluated: 2024-12-03. Review status: criteria provided, single submitter. Criteria: Ambry Variant Classification Scheme 2023. Collection method: clinical testing. Allele origin: germline.

Laboratory for Molecular Medicine, Mass General Brigham Personalized Medicine
Classification: Uncertain significance. Last evaluated: 2018-01-25. Review status: criteria provided, single submitter. Criteria: LMM Criteria. Collection method: clinical testing. Allele origin: germline. Observed: 2 variant alleles.
Comment: The p.Arg392Trp variant in MYH14 has not been previously reported in individuals with hearing loss, but has been identified in 16/125774 European chromosomes by the Genome Aggregation Database (gnomAD; dbSN P rs778312429). Computational prediction tools and conservation analysis suggest that the p.Arg392Trp variant may impact the protein, though this information is not predictive enough to determine pathogenicity. In summary, the clinical sign ificance of the p.Arg392Trp variant is uncertain. ACMG/AMP Criteria applied: PP3 .